The following is an entry in ClinVar:

NM_004304.5(ALK):c.3646-4A>G

Gene: ALK (ALK receptor tyrosine kinase; minus strand). Cytogenetic location: 2p23.2.
Variant type: single nucleotide variant.
Coding change: c.3646-4A>G on transcript NM_004304.5 (MANE Select); 4 bases into the intron before coding-DNA position 3646, A replaced by G.
Molecular consequence: intron variant.
Genome position (GRCh38, 1-based): chr2:29,214,085, T>C on the plus strand (A>G on the coding strand, the complement: ALK is on the minus strand). VCF-style: chr2-29214085-T-C. GRCh37 (hg19) VCF-style: chr2-29436951-T-C.
Other names: c.442-4A>G (NM_001353765.2).
Identifiers: ClinVar variation 1733554 (VCV001733554.2), dbSNP rs1167289232, ClinGen allele CA531467728.
Genomic context (GRCh38, chr2:29,214,085, plus strand): 5'-GGCAATGTCCCGAGCCACGTGCAGAAGGTCCAGCATGGCCAGGGAGGAGGGCTGGCTCTG[T>C]GGGGAGACAGAAGCGGGCCACTGACGAGGAGCTTGTCAGTGAGAGGAGGGAAATCTGAAA-3'

ClinVar aggregate classification (germline): Uncertain significance (1 of 4 stars; one submission).

Conditions:
Hereditary cancer-predisposing syndrome. Also called: Neoplastic Syndromes, Hereditary; Tumor predisposition; Hereditary Cancer Syndrome; Hereditary neoplastic syndrome. Identifiers: Orphanet 140162, MedGen C0027672, MeSH D009386, MONDO:0015356.

Allele frequency attached by ClinVar (database versions not stated): TOPMed below 0.00001.
gnomAD v4.1: 1 of 1,613,392 alleles (0.000062%); highest among the groups gnomAD compares: African/African-American, 0.0013%; no homozygotes.

Submission:

Ambry Genetics
Classification: Uncertain significance for Hereditary cancer-predisposing syndrome. Last evaluated: 2020-11-24. Review status: criteria provided, single submitter. Criteria: Ambry Variant Classification Scheme 2023. Collection method: clinical testing. Allele origin: germline.
Comment: The c.3646-4A>G intronic variant results from an A to G substitution 4 nucleotides upstream from coding exon 24 in the ALK gene. This nucleotide position is poorly conserved in available vertebrate species. In silico splice site analysis predicts that this alteration will not have any significant effect on splicing. Since supporting evidence is limited at this time, the clinical significance of this alteration remains unclear.